The following is an entry in ClinVar:

NM_031885.5(BBS2):c.1323C>T (p.Ile441=)

Gene: BBS2 (Bardet-Biedl syndrome 2; minus strand). Cytogenetic location: 16q13.
Variant type: single nucleotide variant.
Coding change: c.1323C>T on transcript NM_031885.5 (MANE Select); coding-DNA position 1323, C replaced by T.
Protein change: p.Ile441=; no amino-acid change (isoleucine 441 retained).
Molecular consequence: synonymous variant. On other transcripts: non-coding transcript variant (2).
Genome position (GRCh38, 1-based): chr16:56,500,928, G>A on the plus strand (C>T on the coding strand, the complement: BBS2 is on the minus strand). VCF-style: chr16-56500928-G-A. GRCh37 (hg19) VCF-style: chr16-56534840-G-A.
Other names: c.1323C>T (NM_031885.3); c.1323C>T, p.Ile441= (NM_001377456.1).
Identifiers: ClinVar variation 1674906 (VCV001674906.9), dbSNP rs759783261, ClinGen allele CA8065764.
Genomic context (GRCh38, chr16:56,500,928, plus strand): 5'-CACGAATGCCTTCAAGTGCAGATCCACAGGGACATCTTTGGGAGGCACAATAGGGATGCA[G>A]ATGGAACTGGAGAGGTTGTGAATGCTGGGATGTACCACGTGGCTTTCACCTGTAAAAATT-3'
Protein context (NP_114091.4, residues 431-451): HPSIHNLSSS[Ile441=]CIPIVPPKDV

ClinVar aggregate classification (germline): Likely benign. Review status: criteria provided, single submitter (1 of 4 stars). 2 submissions from 2 submitters: Likely benign (1). 1 of the submissions does not count toward it. Last evaluated 2026-01-20.

Conditions:
Bardet-Biedl syndrome (BBS). Identifiers: Orphanet 110, MedGen C0752166, MONDO:0015229.
BBS2-related disorder. Also called: BBS2-related condition; BBS2-related disorders. Identifiers: MedGen CN239228.

Allele frequency attached by ClinVar (database versions not stated): gnomAD exomes below 0.00001 and 0.00001; TOPMed below 0.00001; ExAC 0.00001.
gnomAD v4.1: 2 of 1,614,180 alleles (0.00012%); highest among the groups gnomAD compares: Admixed American, 0.0033%; no homozygotes.

Submissions (2):

Labcorp Genetics (formerly Invitae), Labcorp
Classification: Likely benign for Bardet-Biedl syndrome. Last evaluated: 2026-01-20. Review status: criteria provided, single submitter. Criteria: Invitae Variant Classification Sherloc (09022015). Collection method: clinical testing. Allele origin: germline.

PreventionGenetics, part of Exact Sciences
Classification: Likely benign for BBS2-related condition. Last evaluated: 2024-05-13. Review status: no assertion criteria provided. Collection method: clinical testing. Allele origin: germline. Not counted in ClinVar's aggregate classification.
Comment: This variant is classified as likely benign based on ACMG/AMP sequence variant interpretation guidelines (Richards et al. 2015 PMID: 25741868, with internal and published modifications).